The following is an entry in ClinVar:

NM_000541.5(SAG):c.1047-2A>G

Gene: SAG (S-antigen visual arrestin; plus strand). Cytogenetic location: 2q37.1.
Variant type: single nucleotide variant.
Coding change: c.1047-2A>G on transcript NM_000541.5 (MANE Select); the canonical splice acceptor site of the intron before coding-DNA position 1047, A replaced by G.
Molecular consequence: splice acceptor variant.
Genome position (GRCh38, 1-based): chr2:233,342,269, A>G. VCF-style: chr2-233342269-A-G. GRCh37 (hg19) VCF-style: chr2-234250915-A-G.
Identifiers: ClinVar variation 1066985 (VCV001066985.11), dbSNP rs780117205, ClinGen allele CA2174661.

ClinVar aggregate classification (germline): Likely pathogenic (1 of 4 stars; one submission).

Allele frequency attached by ClinVar (database versions not stated): gnomAD exomes below 0.00001 and 0.00001; gnomAD 0.00003; TOPMed 0.00003.
gnomAD v4.1: 11 of 1,603,344 alleles (0.00069%); highest among the groups gnomAD compares: African/African-American, 0.008%; no homozygotes.

Submission:

Labcorp Genetics (formerly Invitae), Labcorp
Classification: Likely pathogenic. Last evaluated: 2022-10-07. Review status: criteria provided, single submitter. Criteria: Invitae Variant Classification Sherloc (09022015). Collection method: clinical testing. Allele origin: germline.
Comment: In summary, the currently available evidence indicates that the variant is pathogenic, but additional data are needed to prove that conclusively. Therefore, this variant has been classified as Likely Pathogenic. Algorithms developed to predict the effect of sequence changes on RNA splicing suggest that this variant may disrupt the consensus splice site. This sequence change affects an acceptor splice site in intron 13 of the SAG gene. It is expected to disrupt RNA splicing. Variants that disrupt the donor or acceptor splice site typically lead to a loss of protein function (PMID: 16199547), and loss-of-function variants in SAG are known to be pathogenic (PMID: 9452120, 15234147, 22665972). This variant is present in population databases (rs780117205, gnomAD 0.009%). Disruption of this splice site has been observed in individual(s) with clinical features of retinitis pigmentosa (Invitae). ClinVar contains an entry for this variant (Variation ID: 1066985).

Literature cited by the submitters: PubMed 16199547; PubMed 9452120; PubMed 15234147; PubMed 22665972.